The following is an entry in ClinVar:

NM_182961.4(SYNE1):c.24675G>T (p.Arg8225Ser)

Gene: SYNE1 (spectrin repeat containing nuclear envelope protein 1; minus strand). Cytogenetic location: 6q25.2.
Variant type: single nucleotide variant.
Coding change: c.24675G>T on transcript NM_182961.4 (MANE Select); coding-DNA position 24675, G replaced by T.
Protein change: p.Arg8225Ser; replaces arginine 8225 with serine.
Molecular consequence: missense variant.
Genome position (GRCh38, 1-based): chr6:152,148,346, C>A on the plus strand (G>T on the coding strand, the complement: SYNE1 is on the minus strand). VCF-style: chr6-152148346-C-A. GRCh37 (hg19) VCF-style: chr6-152469481-C-A.
Other names: c.1281G>T, p.Arg427Ser (NM_001347701.2); c.1140G>T, p.Arg380Ser (NM_001347702.2); c.24462G>T, p.Arg8154Ser (NM_033071.5); short protein forms R8154S, R380S, R427S, R8225S.
Identifiers: ClinVar variation 1945063 (VCV001945063.5), dbSNP rs776389367, ClinGen allele CA4053100.
Genomic context (GRCh38, chr6:152,148,346, plus strand): 5'-TGCAGAGCGGTCGTGCCAGTGCAGGTCCGACAGAGCTGCAGAGTCTTCCAGCTCCAGCTC[C>A]CTGTCTGAGAGGTCGTGCTCATCGTCTGGGAGCTAGAAGGGAAGTCAAGGCAACCCTGTC-3'
Protein context (NP_892006.3, residues 8215-8235): LPDDEHDLSD[Arg8225Ser]ELELEDSAAL

ClinVar aggregate classification (germline): Uncertain significance (1 of 4 stars; one submission).

Conditions:
Emery-Dreifuss muscular dystrophy 4, autosomal dominant (EDMD4). Also called: EMERY-DREIFUSS MUSCULAR DYSTROPHY 4 WITH VARIABLE FEATURES. Identifiers: Orphanet 261, MedGen C2751807, MONDO:0013071, OMIM 612998.
Autosomal recessive ataxia, Beauce type. Also called: SYNE1 Deficiency; Spinocerebellar ataxia, autosomal recessive 8; ATAXIA, RECESSIVE, OF BEAUCE; SYNE1-Related Autosomal Recessive Cerebellar Ataxia. Identifiers: Orphanet 88644, MedGen C1853116, MONDO:0012549, OMIM 610743.

Allele frequency attached by ClinVar (database versions not stated): ExAC 0.00003.
gnomAD v4.1: 10 of 1,614,140 alleles (0.00062%); highest among the groups gnomAD compares: South Asian, 0.011%; no homozygotes.

Submission:

Labcorp Genetics (formerly Invitae), Labcorp
Classification: Uncertain significance for Emery-Dreifuss muscular dystrophy 4, autosomal dominant; Autosomal recessive ataxia, Beauce type. Last evaluated: 2022-01-15. Review status: criteria provided, single submitter. Criteria: Invitae Variant Classification Sherloc (09022015). Collection method: clinical testing. Allele origin: germline.
Comment: Algorithms developed to predict the effect of missense changes on protein structure and function are either unavailable or do not agree on the potential impact of this missense change (SIFT: "Deleterious"; PolyPhen-2: "Benign"; Align-GVGD: "Class C0"). This variant has not been reported in the literature in individuals affected with SYNE1-related conditions. This variant is present in population databases (rs776389367, gnomAD 0.01%). This sequence change replaces arginine, which is basic and polar, with serine, which is neutral and polar, at codon 8154 of the SYNE1 protein (p.Arg8154Ser). Algorithms developed to predict the effect of sequence changes on RNA splicing suggest that this variant may create or strengthen a splice site. In summary, the available evidence is currently insufficient to determine the role of this variant in disease. Therefore, it has been classified as a Variant of Uncertain Significance.